The following is an entry in ClinVar:

NM_001267550.2(TTN):c.2493+119G>A

Gene: TTN (titin; minus strand). Cytogenetic location: 2q31.2.
Variant type: single nucleotide variant.
Coding change: c.2493+119G>A on transcript NM_001267550.2 (MANE Select); 119 bases into the intron after coding-DNA position 2493, G replaced by A.
Molecular consequence: intron variant.
Genome position (GRCh38, 1-based): chr2:178,785,501, C>T on the plus strand (G>A on the coding strand, the complement: TTN is on the minus strand). VCF-style: chr2-178785501-C-T. GRCh37 (hg19) VCF-style: chr2-179650228-C-T.
Other names: c.2493+119G>A (NM_001256850.1, NM_133378.4, NM_133379.5); c.2355+119G>A (NM_003319.4, NM_133437.4, NM_133432.3).
Identifiers: ClinVar variation 675632 (VCV000675632.1), dbSNP rs112677770, ClinGen allele CA60982684.

ClinVar aggregate classification (germline): Likely benign (1 of 4 stars; one submission).

Allele frequency attached by ClinVar (database versions not stated): gnomAD exomes 0.00051; 1000 Genomes Project 0.00419; 1000 Genomes Project 30x 0.00437; gnomAD 0.00504 and 0.00548; TOPMed 0.00566.
gnomAD v4.1: 1,459 of 1,432,024 alleles (0.1%); highest among the groups gnomAD compares: African/African-American, 1.8%; 18 homozygotes.

Submission:

GeneDx
Classification: Likely benign. Last evaluated: 2018-06-14. Review status: criteria provided, single submitter. Criteria: GeneDx Variant Classification (06012015). Collection method: clinical testing. Allele origin: germline. Affected: yes.
Comment: This variant is considered likely benign or benign based on one or more of the following criteria: it is a conservative change, it occurs at a poorly conserved position in the protein, it is predicted to be benign by multiple in silico algorithms, and/or has population frequency not consistent with disease.